The following is an entry in ClinVar:

NM_005198.5(CHKB):c.436C>T (p.Gln146Ter)

Genes: CHKB (choline kinase beta; minus strand), CHKB-CPT1B (CHKB-CPT1B readthrough (NMD candidate); minus strand). Cytogenetic location: 22q13.33.
Variant type: single nucleotide variant.
Coding change: c.436C>T on transcript NM_005198.5 (MANE Select); coding-DNA position 436, C replaced by T.
Protein change: p.Gln146Ter; replaces glutamine 146 with a stop codon.
Molecular consequence: nonsense. On other transcripts: non-coding transcript variant (1).
Genome position (GRCh38, 1-based): chr22:50,581,760, G>A on the plus strand (C>T on the coding strand, the complement: CHKB is on the minus strand). VCF-style: chr22-50581760-G-A. GRCh37 (hg19) VCF-style: chr22-51020189-G-A.
Other names: short protein forms Q146*.
Identifiers: ClinVar variation 4974985 (VCV004974985.1).

ClinVar aggregate classification (germline): Likely pathogenic (1 of 4 stars; one submission).

Conditions:
Megaconial type congenital muscular dystrophy (MDCMC). Also called: CHKB-Related Muscle Diseases; MUSCULAR DYSTROPHY, CONGENITAL, WITH MITOCHONDRIAL STRUCTURAL ABNORMALITIES; CHKB-Related Muscular Dystrophy. Identifiers: Orphanet 280671, MedGen C1865233, MONDO:0011246, OMIM 602541.

Submission:

Diagnostics Services (NGS), CSIR - Centre For Cellular And Molecular Biology
Classification: Likely pathogenic for Megaconial type congenital muscular dystrophy. Last evaluated: 2026-09-16. Review status: criteria provided, single submitter. Criteria: ACMG Guidelines, 2015. Collection method: clinical testing. Allele origin: germline. Affected: yes. Observed: 1 variant allele, 1 heterozygote.
Comment: The c.436C>T variant is not present in 1000 Genomes, EVS, gnomAD, Indian Exome Database, GenomeIndia database or in our internal database. This variant has neither been published in the literature for CHKB-related conditions nor reported to clinical databases like HGMD, ClinVar or OMIM, in any affected individuals. In-silico pathogenicity prediction programs like MutationTaster2, CADD, Varsome, Franklin, etc predicted this variant to be likely deleterious. This variant creates a premature translational stop signal at the 146th amino acid position of the wild-type transcript that may either result in translation of a truncated protein or cause nonsense mediated decay of the mRNA.